The following is an entry in ClinVar:

NM_007118.4(TRIO):c.1586A>G (p.Asn529Ser)

Gene: TRIO (trio Rho guanine nucleotide exchange factor; plus strand). Cytogenetic location: 5p15.2.
Variant type: single nucleotide variant.
Coding change: c.1586A>G on transcript NM_007118.4 (MANE Select); coding-DNA position 1586, A replaced by G.
Protein change: p.Asn529Ser; replaces asparagine 529 with serine.
Molecular consequence: missense variant. On other transcripts: non-coding transcript variant (1).
Genome position (GRCh38, 1-based): chr5:14,316,598, A>G. VCF-style: chr5-14316598-A-G. GRCh37 (hg19) VCF-style: chr5-14316707-A-G.
Other names: short protein forms N529S.
Identifiers: ClinVar variation 3384633 (VCV003384633.2).

ClinVar aggregate classification (germline): Uncertain significance. Review status: criteria provided, multiple submitters, no conflicts (2 of 4 stars). 2 submissions from 2 submitters: Uncertain significance (2). Last evaluated 2026-05-07.

gnomAD v4.1: 10 of 1,614,196 alleles (0.00062%); highest among the groups gnomAD compares: South Asian, 0.0011%; no homozygotes.

Submissions (2):

Women's Health and Genetics/Laboratory Corporation of America, LabCorp
Classification: Uncertain significance. Last evaluated: 2026-05-07. Review status: criteria provided, single submitter. Criteria: LabCorp Variant Classification Summary - May 2015. Collection method: clinical testing. Allele origin: germline.
Comment: Variant summary: TRIO c.1586A>G (p.Asn529Ser) results in a conservative amino acid change in the encoded protein sequence. Algorithms developed to predict the effect of missense changes on protein structure and function are either unavailable or do not agree on the potential impact of this missense change. The variant was absent in 251162 control chromosomes. The available data on variant occurrences in the general population are insufficient to allow any conclusion about variant significance. To our knowledge, no occurrence of c.1586A>G in individuals affected with TRIO-related conditions and no experimental evidence demonstrating its impact on protein function have been reported. ClinVar contains an entry for this variant (Variation ID: 3384633). Based on the evidence outlined above, the variant was classified as uncertain significance.

GeneDx
Classification: Uncertain significance. Last evaluated: 2024-06-03. Review status: criteria provided, single submitter. Criteria: GeneDx Variant Classification Process June 2021. Collection method: clinical testing. Allele origin: germline. Affected: yes.
Comment: Not observed at significant frequency in large population cohorts (gnomAD); In silico analysis supports that this missense variant has a deleterious effect on protein structure/function; Has not been previously published as pathogenic or benign to our knowledge